The following is an entry in ClinVar:

ClinVar aggregate classification (germline): Uncertain significance (1 of 4 stars; one submission).

Conditions:
Catecholaminergic polymorphic ventricular tachycardia (CVPT). Also called: Catecholamine-induced polymorphic ventricular tachycardia. Identifiers: Orphanet 3286, MedGen C5574922, MONDO:0017990.

Submission:

All of Us Research Program, National Institutes of Health
Classification: Uncertain significance for Catecholaminergic polymorphic ventricular tachycardia. Last evaluated: 2023-02-15. Review status: criteria provided, single submitter. Criteria: ACMG Guidelines, 2015. Collection method: clinical testing. Allele origin: germline. Inheritance: Autosomal dominant inheritance. Observed: 1 variant allele, 1 heterozygote.
Comment: This variant causes a deletion of 15 nucleotides in intron 59 of the RYR2 gene. To our knowledge, functional studies have not been reported for this variant. This variant has not been reported in individuals affected with RYR2-related disorders in the literature. This variant has not been identified in the general population by the Genome Aggregation Database (gnomAD). The available evidence is insufficient to determine the role of this variant in disease conclusively. Therefore, this variant is classified as a Variant of Uncertain Significance.

This study involves interpretation of variants in research participants for the purpose of population health screening. Participant phenotype was not available at the time of variant classification. Additional details can be found in publication PMID: 35346344, PMCID: PMC8962531

NM_001035.3(RYR2):c.8714+14_8714+28del

Gene: RYR2 (ryanodine receptor 2; plus strand). Cytogenetic location: 1q43.
Variant type: Deletion.
Coding change: c.8714+14_8714+28del on transcript NM_001035.3 (MANE Select); bases 14 to 28 of the intron after coding-DNA position 8714, 15 bases deleted (TACCCTAAGTACACA).
Molecular consequence: intron variant.
Genome position (GRCh38, 1-based): chr1:237,674,233-237,674,247, TACCCTAAGTACACA deleted; deleting any 15 consecutive bases within chr1:237,674,224-237,674,247 gives the same sequence; the c. name uses the placement nearest the transcript's 3' end. VCF-style (leftmost placement, unchanged base first): chr1-237674223-AAAGTACACATACCCT-A. GRCh37 (hg19) VCF-style: chr1-237837523-AAAGTACACATACCCT-A.
Identifiers: ClinVar variation 3069396 (VCV003069396.1), dbSNP rs2547214149, ClinGen allele CA2825000951.